The following is an entry in ClinVar:

NM_005188.4(CBL):c.*2045A>G

Gene: CBL (Cbl proto-oncogene; plus strand). Cytogenetic location: 11q23.3.
Variant type: single nucleotide variant.
Coding change: c.*2045A>G on transcript NM_005188.4 (MANE Select); 2045 bases downstream of the stop codon, A replaced by G.
Molecular consequence: 3 prime UTR variant.
Genome position (GRCh38, 1-based): chr11:119,301,826, A>G. VCF-style: chr11-119301826-A-G. GRCh37 (hg19) VCF-style: chr11-119172536-A-G.
Identifiers: ClinVar variation 302818 (VCV000302818.6), dbSNP rs1047417, ClinGen allele CA10629989.

ClinVar aggregate classification (germline): Benign. Review status: criteria provided, multiple submitters, no conflicts (2 of 4 stars). 2 submissions from 2 submitters: Benign (2). Last evaluated 2018-01-13.

Conditions:
CBL-related disorder. Also called: NOONAN SYNDROME-LIKE DISORDER WITHOUT JUVENILE MYELOMONOCYTIC LEUKEMIA; CBL MUTATION-ASSOCIATED SYNDROME; CBL SYNDROME. Identifiers: Orphanet 363972, MedGen C3150803, MONDO:0013308, OMIM 613563.

Allele frequency attached by ClinVar (database versions not stated): 1000 Genomes Project 30x 0.21611; 1000 Genomes Project 0.21925; TOPMed 0.23573; gnomAD 0.23872 and 0.23910; gnomAD exomes 0.27501.
gnomAD v4.1: 58,462 of 233,018 alleles (25%); highest among the groups gnomAD compares: East Asian, 35%; 7,625 homozygotes.

Submissions (2):

Illumina Laboratory Services, Illumina
Classification: Benign for CBL-related disorder. Last evaluated: 2018-01-13. Review status: criteria provided, single submitter. Criteria: ICSL Variant Classification Criteria 13 December 2019. Collection method: clinical testing. Allele origin: germline.
Comment: This variant was observed in the ICSL laboratory as part of a predisposition screen in an ostensibly healthy population. It had not been previously curated by ICSL or reported in the Human Gene Mutation Database (HGMD: prior to June 1st, 2018), and was therefore a candidate for classification through an automated scoring system. Utilizing variant allele frequency, disease prevalence and penetrance estimates, and inheritance mode, an automated score was calculated to assess if this variant is too frequent to cause the disease. Based on the score and internal cut-off values, a variant classified as benign is not then subjected to further curation. The score for this variant resulted in a classification of benign for this disease.

Breakthrough Genomics
Classification: Benign. Review status: criteria provided, single submitter. Criteria: ACMG Guidelines, 2015. Collection method: not provided. Allele origin: germline. Inheritance: Autosomal dominant inheritance. Affected: yes.